The following is an entry in ClinVar:

NM_007126.5(VCP):c.91G>T (p.Ala31Ser)

Gene: VCP (valosin containing protein; minus strand). Cytogenetic location: 9p13.3.
Variant type: single nucleotide variant.
Coding change: c.91G>T on transcript NM_007126.5 (MANE Select); coding-DNA position 91, G replaced by T.
Protein change: p.Ala31Ser; replaces alanine 31 with serine.
Molecular consequence: missense variant. On other transcripts: 5 prime UTR variant (2).
Genome position (GRCh38, 1-based): chr9:35,068,289, C>A on the plus strand (G>T on the coding strand, the complement: VCP is on the minus strand). VCF-style: chr9-35068289-C-A. GRCh37 (hg19) VCF-style: chr9-35068286-C-A.
Other names: c.-45G>T (NM_001354927.2, NM_001354928.2); short protein forms A31S.
Identifiers: ClinVar variation 1305544 (VCV001305544.5), dbSNP rs1828872997, ClinGen allele CA373294992.

ClinVar aggregate classification (germline): Uncertain significance. Review status: criteria provided, multiple submitters, no conflicts (2 of 4 stars). 2 submissions from 2 submitters: Uncertain significance (2). Last evaluated 2022-11-04.

Conditions:
Inborn genetic diseases. Identifiers: MedGen C0950123, MeSH D030342.

Submissions (2):

GeneDx
Classification: Uncertain significance. Last evaluated: 2022-11-04. Review status: criteria provided, single submitter. Criteria: GeneDx Variant Classification Process June 2021. Collection method: clinical testing. Allele origin: germline. Affected: yes.
Comment: Not observed at significant frequency in large population cohorts (gnomAD); In silico analysis supports that this missense variant does not alter protein structure/function; Has not been previously published as pathogenic or benign to our knowledge

Ambry Genetics
Classification: Uncertain significance for Inborn genetic diseases. Last evaluated: 2020-05-15. Review status: criteria provided, single submitter. Criteria: Ambry Variant Classification Scheme 2023. Collection method: clinical testing. Allele origin: germline.
Comment: The p.A31S variant (also known as c.91G>T), located in coding exon 2 of the VCP gene, results from a G to T substitution at nucleotide position 91. The alanine at codon 31 is replaced by serine, an amino acid with similar properties. This amino acid position is well conserved in available vertebrate species. In addition, this alteration is predicted to be tolerated by in silico analysis. Since supporting evidence is limited at this time, the clinical significance of this alteration remains unclear.